The following is an entry in ClinVar:

NM_022095.4(ZNF335):c.124G>A (p.Ala42Thr)

Gene: ZNF335 (zinc finger protein 335; minus strand). Cytogenetic location: 20q13.12.
Variant type: single nucleotide variant.
Coding change: c.124G>A on transcript NM_022095.4 (MANE Select); coding-DNA position 124, G replaced by A.
Protein change: p.Ala42Thr; replaces alanine 42 with threonine.
Molecular consequence: missense variant.
Genome position (GRCh38, 1-based): chr20:45,971,287, C>T on the plus strand (G>A on the coding strand, the complement: ZNF335 is on the minus strand). VCF-style: chr20-45971287-C-T. GRCh37 (hg19) VCF-style: chr20-44599926-C-T.
Other names: short protein forms A42T.
Identifiers: ClinVar variation 2171017 (VCV002171017.3), dbSNP rs1258246264, ClinGen allele CA409199030.

ClinVar aggregate classification (germline): Uncertain significance (1 of 4 stars; one submission).

Allele frequency attached by ClinVar (database versions not stated): gnomAD 0.00001; TOPMed 0.00002.
gnomAD v4.1: 21 of 1,583,980 alleles (0.0013%); highest among the groups gnomAD compares: Non-Finnish European, 0.0016%; no homozygotes.

Submission:

Labcorp Genetics (formerly Invitae), Labcorp
Classification: Uncertain significance. Last evaluated: 2022-07-11. Review status: criteria provided, single submitter. Criteria: Invitae Variant Classification Sherloc (09022015). Collection method: clinical testing. Allele origin: germline.
Comment: In summary, the available evidence is currently insufficient to determine the role of this variant in disease. Therefore, it has been classified as a Variant of Uncertain Significance. Algorithms developed to predict the effect of missense changes on protein structure and function are either unavailable or do not agree on the potential impact of this missense change (SIFT: "Deleterious"; PolyPhen-2: "Probably Damaging"; Align-GVGD: "Class C0"). This variant has not been reported in the literature in individuals affected with ZNF335-related conditions. This variant is not present in population databases (gnomAD no frequency). This sequence change replaces alanine, which is neutral and non-polar, with threonine, which is neutral and polar, at codon 42 of the ZNF335 protein (p.Ala42Thr).